The following is an entry in ClinVar:

ClinVar aggregate classification (germline): Likely benign (0 of 4 stars; one submission).

Conditions:
GREB1L-related disorder. Also called: GREB1L-related condition.

gnomAD v4.1: 39 of 1,551,720 alleles (0.0025%); highest among the groups gnomAD compares: Non-Finnish European, 0.0031%; no homozygotes.

Submission:

PreventionGenetics, part of Exact Sciences
Classification: Likely benign for GREB1L-related condition. Last evaluated: 2024-08-29. Review status: no assertion criteria provided. Collection method: clinical testing. Allele origin: germline.
Comment: This variant is classified as likely benign based on ACMG/AMP sequence variant interpretation guidelines (Richards et al. 2015 PMID: 25741868, with internal and published modifications).

NM_001142966.3(GREB1L):c.4710C>T (p.Pro1570=)

Gene: GREB1L (GREB1 like retinoic acid receptor coactivator; plus strand). Cytogenetic location: 18q11.2.
Variant type: single nucleotide variant.
Coding change: c.4710C>T on transcript NM_001142966.3 (MANE Select); coding-DNA position 4710, C replaced by T.
Protein change: p.Pro1570=; no amino-acid change (proline 1570 retained).
Molecular consequence: synonymous variant.
Genome position (GRCh38, 1-based): chr18:21,508,566, C>T. VCF-style: chr18-21508566-C-T. GRCh37 (hg19) VCF-style: chr18-19088527-C-T.
Other names: c.4839C>T, p.Pro1613= (NM_001410867.1); c.4383C>T, p.Pro1461= (NM_001410868.1).
Identifiers: ClinVar variation 3357991 (VCV003357991.1).